The following is an entry in ClinVar:

ClinVar aggregate classification (germline): Uncertain significance. Review status: criteria provided, multiple submitters, no conflicts (2 of 4 stars). 3 submissions from 3 submitters: Uncertain significance (3). Last evaluated 2024-01-16.

Conditions:
Muscular dystrophy-dystroglycanopathy (congenital with brain and eye anomalies), type A2. Also called: MUSCULAR DYSTROPHY-DYSTROGLYCANOPATHY (CONGENITAL WITH BRAIN AND EYE ANOMALIES), TYPE A, 2; WALKER-WARBURG SYNDROME OR MUSCLE-EYE-BRAIN DISEASE, POMT2-RELATED. Identifiers: Orphanet 588, Orphanet 899, MedGen C3150411, MONDO:0013154, OMIM 613150.
Muscular dystrophy-dystroglycanopathy (congenital with impaired intellectual development), type B, 2. Also called: Muscular dystrophy-dystroglycanopathy (congenital with intellectual disability), type B2; MUSCULAR DYSTROPHY, CONGENITAL, POMT2-RELATED. Identifiers: MedGen C3150416, MONDO:0013160, OMIM 613156.
Autosomal recessive limb-girdle muscular dystrophy type 2N. Also called: Muscular dystrophy-dystroglycanopathy (limb-girdle), type C, 2; MUSCULAR DYSTROPHY-DYSTROGLYCANOPATHY, LIMB-GIRDLE, POMT2-RELATED. Identifiers: Orphanet 206559, MedGen C3150418, MONDO:0013162, OMIM 613158.

Allele frequency attached by ClinVar (database versions not stated): gnomAD exomes below 0.00001.
gnomAD v4.1: 1 of 1,614,078 alleles (0.000062%); highest among the groups gnomAD compares: Non-Finnish European, 0.000085%; no homozygotes.

Submissions (3):

Labcorp Genetics (formerly Invitae), Labcorp
Classification: Uncertain significance for Muscular dystrophy-dystroglycanopathy (congenital with impaired intellectual development), type B, 2; Muscular dystrophy-dystroglycanopathy (congenital with brain and eye anomalies), type A2; Autosomal recessive limb-girdle muscular dystrophy type 2N. Last evaluated: 2024-01-16. Review status: criteria provided, single submitter. Criteria: Invitae Variant Classification Sherloc (09022015). Collection method: clinical testing. Allele origin: germline.
Comment: This sequence change replaces proline, which is neutral and non-polar, with leucine, which is neutral and non-polar, at codon 220 of the POMT2 protein (p.Pro220Leu). This variant is not present in population databases (gnomAD no frequency). This variant has not been reported in the literature in individuals affected with POMT2-related conditions. ClinVar contains an entry for this variant (Variation ID: 501755). An algorithm developed to predict the effect of missense changes on protein structure and function (PolyPhen-2) suggests that this variant is likely to be disruptive. In summary, the available evidence is currently insufficient to determine the role of this variant in disease. Therefore, it has been classified as a Variant of Uncertain Significance.

Revvity Omics, Revvity
Classification: Uncertain significance. Last evaluated: 2019-03-28. Review status: criteria provided, single submitter. Criteria: ACMG Guidelines, 2015. Collection method: clinical testing. Allele origin: germline.

Eurofins Ntd Llc (ga)
Classification: Uncertain significance. Last evaluated: 2017-05-11. Review status: criteria provided, single submitter. Criteria: EGL Classification Definitions 2015. Collection method: clinical testing. Allele origin: germline. Observed: 1 variant allele, 1 heterozygote.

NM_013382.7(POMT2):c.659C>T (p.Pro220Leu)

Genes: POMT2 (protein O-mannosyltransferase 2; minus strand), LOC130056175 (ATAC-STARR-seq lymphoblastoid silent region 5968; plus strand). Cytogenetic location: 14q24.3.
Variant type: single nucleotide variant.
Coding change: c.659C>T on transcript NM_013382.7 (MANE Select); coding-DNA position 659, C replaced by T.
Protein change: p.Pro220Leu; replaces proline 220 with leucine.
Molecular consequence: missense variant.
Genome position (GRCh38, 1-based): chr14:77,301,247, G>A on the plus strand (C>T on the coding strand, the complement: POMT2 is on the minus strand). VCF-style: chr14-77301247-G-A. GRCh37 (hg19) VCF-style: chr14-77767590-G-A.
Other names: c.659C>T (NM_013382.5); short protein forms P220L.
Identifiers: ClinVar variation 501755 (VCV000501755.9), dbSNP rs1555354184, ClinGen allele CA390520401.